The following is an entry in ClinVar:

NM_013275.6(ANKRD11):c.4972A>C (p.Thr1658Pro)

Gene: ANKRD11 (ankyrin repeat domain 11; minus strand). Cytogenetic location: 16q24.3.
Variant type: single nucleotide variant.
Coding change: c.4972A>C on transcript NM_013275.6 (MANE Select); coding-DNA position 4972, A replaced by C.
Protein change: p.Thr1658Pro; replaces threonine 1658 with proline.
Molecular consequence: missense variant.
Genome position (GRCh38, 1-based): chr16:89,281,570, T>G on the plus strand (A>C on the coding strand, the complement: ANKRD11 is on the minus strand). VCF-style: chr16-89281570-T-G. GRCh37 (hg19) VCF-style: chr16-89347978-T-G.
Other names: c.4972A>C, p.Thr1658Pro (NM_001256182.2, NM_001256183.2); short protein forms T1658P.
Identifiers: ClinVar variation 4802793 (VCV004802793.1).
Genomic context (GRCh38, chr16:89,281,570, plus strand): 5'-CTTTGGAGTCTGCACCTGATGCTGGGTGTAGCTTATTTTCCGCGGCAGGTGGAATAGGAG[T>G]CGACTCTTTGAGCTTTTTGTCTTTAAATGGAGGGTCCAGCCCCGGCGGTTTCTTAGCAGG-3'
Protein context (NP_037407.4, residues 1648-1668): PFKDKKLKES[Thr1658Pro]PIPPAAENKL

ClinVar aggregate classification (germline): Uncertain significance (1 of 4 stars; one submission).

Conditions:
KBG syndrome (KBGS). Also called: ANKRD11-Related KBG Syndrome. Identifiers: Orphanet 2332, MedGen C0220687, MONDO:0007846, OMIM 148050.

gnomAD v4.1: 1 of 1,613,968 alleles (0.000062%); highest among the groups gnomAD compares: Admixed American, 0.0017%; no homozygotes.

Submission:

Labcorp Genetics (formerly Invitae), Labcorp
Classification: Uncertain significance for KBG syndrome. Last evaluated: 2025-02-09. Review status: criteria provided, single submitter. Criteria: Invitae Variant Classification Sherloc (09022015). Collection method: clinical testing. Allele origin: germline.
Comment: This sequence change replaces threonine, which is neutral and polar, with proline, which is neutral and non-polar, at codon 1658 of the ANKRD11 protein (p.Thr1658Pro). This variant is present in population databases (no rsID available, gnomAD 0.003%). This variant has not been reported in the literature in individuals affected with ANKRD11-related conditions. Invitae Evidence Modeling of protein sequence and biophysical properties (such as structural, functional, and spatial information, amino acid conservation, physicochemical variation, residue mobility, and thermodynamic stability) indicates that this missense variant is not expected to disrupt ANKRD11 protein function with a negative predictive value of 95%. In summary, the available evidence is currently insufficient to determine the role of this variant in disease. Therefore, it has been classified as a Variant of Uncertain Significance.